The following is an entry in ClinVar:

NM_018249.6(CDK5RAP2):c.374T>C (p.Ile125Thr)

Gene: CDK5RAP2 (CDK5 regulatory subunit associated protein 2; minus strand). Cytogenetic location: 9q33.2.
Variant type: single nucleotide variant.
Coding change: c.374T>C on transcript NM_018249.6 (MANE Select); coding-DNA position 374, T replaced by C.
Protein change: p.Ile125Thr; replaces isoleucine 125 with threonine.
Molecular consequence: missense variant. On other transcripts: non-coding transcript variant (5).
Genome position (GRCh38, 1-based): chr9:120,545,723, A>G on the plus strand (T>C on the coding strand, the complement: CDK5RAP2 is on the minus strand). VCF-style: chr9-120545723-A-G. GRCh37 (hg19) VCF-style: chr9-123308001-A-G.
Other names: c.374T>C, p.Ile125Thr (NM_001011649.3, NM_001272039.2, NM_001410992.1 and 2 more transcripts); short protein forms I125T.
Identifiers: ClinVar variation 2048226 (VCV002048226.4), dbSNP rs1463923857, ClinGen allele CA374710227.
Genomic context (GRCh38, chr9:120,545,723, plus strand): 5'-ACCAACCCAGTGTGGGCGACTTGCAAGCTTTCAACGGATGATGGTACTCACGAGGCTTTG[A>G]TGAGCAGCTGCTCTCTCTCCTGGAGTTCCCGCTTCAGACTTTCTACTTCCACCTTGAGCT-3'
Protein context (NP_060719.4, residues 115-135): RELQEREQLL[Ile125Thr]KASKAVESLA

ClinVar aggregate classification (germline): Uncertain significance (1 of 4 stars; one submission).

Submission:

Labcorp Genetics (formerly Invitae), Labcorp
Classification: Uncertain significance. Last evaluated: 2025-11-10. Review status: criteria provided, single submitter. Criteria: Invitae Variant Classification Sherloc (09022015). Collection method: clinical testing. Allele origin: germline.
Comment: This sequence change replaces isoleucine, which is neutral and non-polar, with threonine, which is neutral and polar, at codon 125 of the CDK5RAP2 protein (p.Ile125Thr). This variant is not present in population databases (gnomAD no frequency). This variant has not been reported in the literature in individuals affected with CDK5RAP2-related conditions. ClinVar contains an entry for this variant (Variation ID: 2048226). An algorithm developed to predict the effect of missense changes on protein structure and function (PolyPhen-2) suggests that this variant is likely to be tolerated. In summary, the available evidence is currently insufficient to determine the role of this variant in disease. Therefore, it has been classified as a Variant of Uncertain Significance.